The following is an entry in ClinVar:

ClinVar aggregate classification (germline): Uncertain significance (1 of 4 stars; one submission).

Conditions:
Hereditary cancer-predisposing syndrome. Also called: Neoplastic Syndromes, Hereditary; Tumor predisposition; Hereditary Cancer Syndrome; Hereditary neoplastic syndrome. Identifiers: Orphanet 140162, MedGen C0027672, MeSH D009386, MONDO:0015356.

Submission:

Ambry Genetics
Classification: Uncertain significance for Hereditary cancer-predisposing syndrome. Last evaluated: 2022-04-07. Review status: criteria provided, single submitter. Criteria: Ambry Variant Classification Scheme 2023. Collection method: clinical testing. Allele origin: germline.
Comment: The p.K687T variant (also known as c.2060A>C), located in coding exon 13 of the SMARCA4 gene, results from an A to C substitution at nucleotide position 2060. The lysine at codon 687 is replaced by threonine, an amino acid with similar properties. This amino acid position is well conserved in available vertebrate species. In addition, this alteration is predicted to be tolerated by in silico analysis. Missense and in-frame variants in SMARCA4 are known to cause neurodevelopmental disorders; however, such associations with rhabdoid tumor predisposition syndrome including small cell carcinoma of the ovary-hypercalcemic type (SCCOHT) are exceedingly rare (Kosho T et al. Am J Med Genet C Semin Med Genet. 2014 Sep;166C(3):262-75; Jelinic P et al. Nat Genet. 2014 May;46(5):424-6). Based on the supporting evidence, the association of this alteration with Coffin-Siris syndrome is unknown; however, the association of this alteration with rhabdoid tumor predisposition syndrome is unlikely.

NM_003072.5(SMARCA4):c.2060A>C (p.Lys687Thr)

Gene: SMARCA4 (SWI/SNF related BAF chromatin remodeling complex subunit ATPase 4; plus strand). Cytogenetic location: 19p13.2.
Variant type: single nucleotide variant.
Coding change: c.2060A>C on transcript NM_003072.5 (MANE Select); coding-DNA position 2060, A replaced by C.
Protein change: p.Lys687Thr; replaces lysine 687 with threonine.
Molecular consequence: missense variant. On other transcripts: non-coding transcript variant (1).
Genome position (GRCh38, 1-based): chr19:11,007,960, A>C. VCF-style: chr19-11007960-A-C. GRCh37 (hg19) VCF-style: chr19-11118636-A-C.
Other names: c.2060A>C, p.Lys687Thr (NM_001128844.3, NM_001128845.2, NM_001128846.2 and 6 more transcripts); short protein forms K687T.
Identifiers: ClinVar variation 1785217 (VCV001785217.2), dbSNP rs2146191961, ClinGen allele CA404052486.
Genomic context (GRCh38, chr19:11,007,960, plus strand): 5'-AGGAGGAGGAGGAAGAGCAGCCGCAGGCAGCACAGCCTCCCACCCTGCCCGTGGAGGAGA[A>C]GAAGAAGATTCCAGATCCAGACAGCGATGACGTCTCTGAGGTGGACGCGCGGCACATCAT-3'
Protein context (NP_003063.2, residues 677-697): AQPPTLPVEE[Lys687Thr]KKIPDPDSDD